The following is an entry in ClinVar:

NM_001130438.3(SPTAN1):c.3720-7C>T

Gene: SPTAN1 (spectrin alpha, non-erythrocytic 1; plus strand). Cytogenetic location: 9q34.11.
Variant type: single nucleotide variant.
Coding change: c.3720-7C>T on transcript NM_001130438.3 (MANE Select); 7 bases into the intron before coding-DNA position 3720, C replaced by T.
Molecular consequence: intron variant.
Genome position (GRCh38, 1-based): chr9:128,605,027, C>T. VCF-style: chr9-128605027-C-T. GRCh37 (hg19) VCF-style: chr9-131367306-C-T.
Other names: c.3720-7C>T (NM_001363759.2, NM_003127.4); c.3660-7C>T (NM_001363765.2, NM_001195532.2).
Identifiers: ClinVar variation 284324 (VCV000284324.23), dbSNP rs773023641, ClinGen allele CA5265038.

ClinVar aggregate classification (germline): Conflicting classifications of pathogenicity. Review status: criteria provided, conflicting classifications (1 of 4 stars). 5 submissions from 5 submitters: Uncertain significance (1); Likely benign (4). Last evaluated 2025-03-01.

Conditions:
Early-infantile DEE. Also called: Ohtahara syndrome; Early infantile epileptic encephalopathy; Early infantile epileptic encephalopathy with suppression bursts. Identifiers: Orphanet 1934, MedGen C0393706, MONDO:0800491.
Developmental and epileptic encephalopathy, 5 (DEE5). Identifiers: Orphanet 3451, MedGen C3150731, MONDO:0013277, OMIM 613477.

Allele frequency attached by ClinVar (database versions not stated): gnomAD 0.00001; TOPMed 0.00002; gnomAD exomes 0.00003 and 0.00005; ExAC 0.00004.
gnomAD v4.1: 42 of 1,613,892 alleles (0.0026%); highest among the groups gnomAD compares: Admixed American, 0.017%; no homozygotes.

Submissions (5):

CeGaT Center for Human Genetics Tuebingen
Classification: Likely benign. Last evaluated: 2025-03-01. Review status: criteria provided, single submitter. Criteria: CeGaT Center For Human Genetics Tuebingen Variant Classification Criteria Version 2. Collection method: clinical testing. Allele origin: germline. Affected: yes. Observed: 1 variant allele.
Comment: SPTAN1: BP4

Labcorp Genetics (formerly Invitae), Labcorp
Classification: Likely benign for Early-infantile DEE. Last evaluated: 2024-09-23. Review status: criteria provided, single submitter. Criteria: Invitae Variant Classification Sherloc (09022015). Collection method: clinical testing. Allele origin: germline.

Genome-Nilou Lab
Classification: Likely benign for Developmental and epileptic encephalopathy, 5. Last evaluated: 2021-07-15. Review status: criteria provided, single submitter. Criteria: ACMG Guidelines, 2015. Collection method: clinical testing. Allele origin: germline. Affected: no.

GeneDx
Classification: Likely benign. Last evaluated: 2015-11-20. Review status: criteria provided, single submitter. Criteria: GeneDx Variant Classification (06012015). Collection method: clinical testing. Allele origin: germline. Affected: yes.
Comment: This variant is considered likely benign or benign based on one or more of the following criteria: it is a conservative change, it occurs at a poorly conserved position in the protein, it is predicted to be benign by multiple in silico algorithms, and/or has population frequency not consistent with disease.

Eurofins Ntd Llc (ga)
Classification: Uncertain significance. Last evaluated: 2015-11-16. Review status: criteria provided, single submitter. Criteria: EGL Classification Definitions 2015. Collection method: clinical testing. Allele origin: germline. Observed: 1 variant allele, 1 heterozygote.